The following is an entry in ClinVar:

NM_000057.4(BLM):c.2343_2344dup (p.Asn782fs)

Gene: BLM (BLM RecQ like helicase; plus strand). Cytogenetic location: 15q26.1.
Variant type: Microsatellite.
Coding change: c.2343_2344dup on transcript NM_000057.4 (MANE Select); coding-DNA positions 2343 to 2344, 2 bases duplicated (GA; older notation c.2343_2344dupGA).
Protein change: p.Asn782fs; shifts the reading frame from asparagine 782.
Molecular consequence: frameshift variant.
Genome position (GRCh38, 1-based): chr15:90,769,168-90,769,169, GA duplicated; duplicating any 2 consecutive bases within chr15:90,769,166-90,769,169 gives the same sequence; the c. name uses the placement nearest the transcript's 3' end. VCF-style (leftmost placement, unchanged base first): chr15-90769165-G-GGA. GRCh37 (hg19) VCF-style: chr15-91312395-G-GGA.
Other names: c.2343_2344dup, p.Asn782fs (NM_001287246.2, NM_001287247.2); c.1218_1219dup, p.Asn407fs (NM_001287248.2); short protein forms N407fs, N782fs.
Identifiers: ClinVar variation 405291 (VCV000405291.11), dbSNP rs1555420842, ClinGen allele CA16614544.

ClinVar aggregate classification (germline): Pathogenic/Likely pathogenic. Review status: criteria provided, multiple submitters, no conflicts (2 of 4 stars). 5 submissions from 5 submitters: Pathogenic (3); Likely pathogenic (1). 1 of the submissions does not count toward it. Last evaluated 2026-04-10.

Conditions:
Hereditary cancer-predisposing syndrome. Also called: Hereditary Cancer Syndrome; Neoplastic Syndromes, Hereditary; Hereditary neoplastic syndrome; Tumor predisposition. Identifiers: Orphanet 140162, MedGen C0027672, MeSH D009386, MONDO:0015356.
Bloom syndrome (BLM). Also called: Bloom-Torre-Machacek syndrome. Identifiers: Orphanet 125, MedGen C0005859, MONDO:0008876, OMIM 210900.

Submissions (5):

Myriad Genetics, Inc.
Classification: Pathogenic for Bloom syndrome. Last evaluated: 2026-04-10. Review status: criteria provided, single submitter. Criteria: Myriad Autosomal Dominant, Autosomal Recessive and X-Linked Classification Criteria (2023). Collection method: clinical testing. Allele origin: unknown.
Comment: This variant is considered pathogenic. This variant creates a frameshift predicted to result in premature protein truncation.

Labcorp Genetics (formerly Invitae), Labcorp
Classification: Pathogenic for Bloom syndrome. Last evaluated: 2025-10-13. Review status: criteria provided, single submitter. Criteria: Invitae Variant Classification Sherloc (09022015). Collection method: clinical testing. Allele origin: germline.
Comment: This sequence change creates a premature translational stop signal (p.Asn782Argfs*34) in the BLM gene. It is expected to result in an absent or disrupted protein product. Loss-of-function variants in BLM are known to be pathogenic (PMID: 17407155). This variant is not present in population databases (gnomAD no frequency). This variant has not been reported in the literature in individuals affected with BLM-related conditions. Algorithms developed to predict the effect of sequence changes on RNA splicing suggest that this variant may disrupt the consensus splice site. For these reasons, this variant has been classified as Pathogenic.

Ambry Genetics
Classification: Pathogenic for Hereditary cancer-predisposing syndrome. Last evaluated: 2023-04-13. Review status: criteria provided, single submitter. Criteria: Ambry Variant Classification Scheme 2023. Collection method: clinical testing. Allele origin: germline.
Comment: The c.2343_2344dupGA pathogenic mutation, located in coding exon 10 of the BLM gene, results from a duplication of GA at nucleotide position 2343, causing a translational frameshift with a predicted alternate stop codon (p.N782Rfs*34). This alteration is expected to result in loss of function by premature protein truncation or nonsense-mediated mRNA decay. This variant is considered to be rare based on population cohorts in the Genome Aggregation Database (gnomAD). As such, this alteration is interpreted as a disease-causing mutation.

Fulgent Genetics
Classification: Likely pathogenic for Bloom syndrome. Last evaluated: 2022-02-08. Review status: criteria provided, single submitter. Criteria: ACMG Guidelines, 2015. Collection method: clinical testing. Allele origin: unknown.

Counsyl
Classification: Likely pathogenic for Bloom syndrome. Last evaluated: 2017-06-20. Review status: no assertion criteria provided. Collection method: clinical testing. Allele origin: unknown. Not counted in ClinVar's aggregate classification.

Literature cited by the submitters: PubMed 17407155 (cited by Labcorp Genetics (formerly Invitae), Labcorp).